The following is an entry in ClinVar:

ClinVar aggregate classification (germline): Uncertain significance (1 of 4 stars; one submission).

Submission:

Labcorp Genetics (formerly Invitae), Labcorp
Classification: Uncertain significance. Last evaluated: 2023-08-17. Review status: criteria provided, single submitter. Criteria: Invitae Variant Classification Sherloc (09022015). Collection method: clinical testing. Allele origin: germline.
Comment: This variant has not been reported in the literature in individuals affected with CYP17A1-related conditions. Algorithms developed to predict the effect of missense changes on protein structure and function output the following: SIFT: "Not Available"; PolyPhen-2: "Benign"; Align-GVGD: "Not Available". The aspartic acid amino acid residue is found in multiple mammalian species, which suggests that this missense change does not adversely affect protein function. In summary, the available evidence is currently insufficient to determine the role of this variant in disease. Therefore, it has been classified as a Variant of Uncertain Significance. This variant is not present in population databases (gnomAD no frequency). This sequence change replaces glutamic acid, which is acidic and polar, with aspartic acid, which is acidic and polar, at codon 505 of the CYP17A1 protein (p.Glu505Asp).

NM_000102.4(CYP17A1):c.1515G>C (p.Glu505Asp)

Gene: CYP17A1 (cytochrome P450 family 17 subfamily A member 1; minus strand). Cytogenetic location: 10q24.32.
Variant type: single nucleotide variant.
Coding change: c.1515G>C on transcript NM_000102.4 (MANE Select); coding-DNA position 1515, G replaced by C.
Protein change: p.Glu505Asp; replaces glutamic acid 505 with aspartic acid.
Molecular consequence: missense variant.
Genome position (GRCh38, 1-based): chr10:102,830,714, C>G on the plus strand (G>C on the coding strand, the complement: CYP17A1 is on the minus strand). VCF-style: chr10-102830714-C-G. GRCh37 (hg19) VCF-style: chr10-104590471-C-G.
Other names: short protein forms E505D.
Identifiers: ClinVar variation 2841398 (VCV002841398.3), dbSNP rs771156995, ClinGen allele CA377937812.